The following is an entry in ClinVar:

NM_001572.5(IRF7):c.965G>A (p.Arg322Gln)

Gene: IRF7 (interferon regulatory factor 7; minus strand). Cytogenetic location: 11p15.5.
Variant type: single nucleotide variant.
Coding change: c.965G>A on transcript NM_001572.5 (MANE Select); coding-DNA position 965, G replaced by A.
Protein change: p.Arg322Gln; replaces arginine 322 with glutamine.
Molecular consequence: missense variant.
Genome position (GRCh38, 1-based): chr11:613,478, C>T on the plus strand (G>A on the coding strand, the complement: IRF7 is on the minus strand). VCF-style: chr11-613478-C-T. GRCh37 (hg19) VCF-style: chr11-613478-C-T.
Other names: c.878G>A, p.Arg293Gln (NM_004029.4); c.1004G>A, p.Arg335Gln (NM_004031.4); short protein forms R293Q, R335Q, R322Q.
Identifiers: ClinVar variation 942839 (VCV000942839.10), dbSNP rs780135940, ClinGen allele CA5783621.

ClinVar aggregate classification (germline): Uncertain significance. Review status: criteria provided, multiple submitters, no conflicts (2 of 4 stars). 2 submissions from 2 submitters: Uncertain significance (2). Last evaluated 2025-10-22.

Conditions:
Immunodeficiency 39 (IMD39). Identifiers: Orphanet 574918, MedGen C4225358, MONDO:0014597, OMIM 616345.

Allele frequency attached by ClinVar (database versions not stated): gnomAD 0.00001; TOPMed 0.00001.
gnomAD v4.1: 17 of 1,542,430 alleles (0.0011%); highest among the groups gnomAD compares: East Asian, 0.0045%; no homozygotes.

Submissions (2):

Ambry Genetics
Classification: Uncertain significance. Last evaluated: 2025-10-22. Review status: criteria provided, single submitter. Criteria: Ambry Variant Classification Scheme 2023. Collection method: clinical testing. Allele origin: germline.

Labcorp Genetics (formerly Invitae), Labcorp
Classification: Uncertain significance for Immunodeficiency 39. Last evaluated: 2025-02-10. Review status: criteria provided, single submitter. Criteria: Invitae Variant Classification Sherloc (09022015). Collection method: clinical testing. Allele origin: germline.
Comment: This sequence change replaces arginine, which is basic and polar, with glutamine, which is neutral and polar, at codon 335 of the IRF7 protein (p.Arg335Gln). This variant is present in population databases (rs780135940, gnomAD 0.01%). This variant has not been reported in the literature in individuals affected with IRF7-related conditions. ClinVar contains an entry for this variant (Variation ID: 942839). Invitae Evidence Modeling of protein sequence and biophysical properties (such as structural, functional, and spatial information, amino acid conservation, physicochemical variation, residue mobility, and thermodynamic stability) indicates that this missense variant is not expected to disrupt IRF7 protein function with a negative predictive value of 80%. In summary, the available evidence is currently insufficient to determine the role of this variant in disease. Therefore, it has been classified as a Variant of Uncertain Significance.